The following is an entry in ClinVar:

ClinVar aggregate classification (germline): Uncertain significance (1 of 4 stars; one submission).

Allele frequency attached by ClinVar (database versions not stated): gnomAD exomes below 0.00001; TOPMed below 0.00001; gnomAD 0.00001.
gnomAD v4.1: 6 of 1,614,182 alleles (0.00037%); highest among the groups gnomAD compares: East Asian, 0.0045%; no homozygotes.

Submission:

Labcorp Genetics (formerly Invitae), Labcorp
Classification: Uncertain significance. Last evaluated: 2024-05-15. Review status: criteria provided, single submitter. Criteria: Invitae Variant Classification Sherloc (09022015). Collection method: clinical testing. Allele origin: germline.
Comment: This sequence change replaces methionine, which is neutral and non-polar, with threonine, which is neutral and polar, at codon 41 of the NDUFA9 protein (p.Met41Thr). This variant is not present in population databases (gnomAD no frequency). This variant has not been reported in the literature in individuals affected with NDUFA9-related conditions. ClinVar contains an entry for this variant (Variation ID: 2413380). Algorithms developed to predict the effect of missense changes on protein structure and function output the following: SIFT: "Not Available"; PolyPhen-2: "Benign"; Align-GVGD: "Not Available". The threonine amino acid residue is found in multiple mammalian species, which suggests that this missense change does not adversely affect protein function. In summary, the available evidence is currently insufficient to determine the role of this variant in disease. Therefore, it has been classified as a Variant of Uncertain Significance.

NM_005002.5(NDUFA9):c.122T>C (p.Met41Thr)

Gene: NDUFA9 (NADH:ubiquinone oxidoreductase subunit A9; plus strand). Cytogenetic location: 12p13.32.
Variant type: single nucleotide variant.
Coding change: c.122T>C on transcript NM_005002.5 (MANE Select); coding-DNA position 122, T replaced by C.
Protein change: p.Met41Thr; replaces methionine 41 with threonine.
Molecular consequence: missense variant.
Genome position (GRCh38, 1-based): chr12:4,654,364, T>C. VCF-style: chr12-4654364-T-C. GRCh37 (hg19) VCF-style: chr12-4763530-T-C.
Other names: short protein forms M41T.
Identifiers: ClinVar variation 2413380 (VCV002413380.6), dbSNP rs1591542059, ClinGen allele CA383448280.